The following is an entry in ClinVar:

ClinVar aggregate classification (germline): Uncertain significance (1 of 4 stars; one submission).

Allele frequency attached by ClinVar (database versions not stated): gnomAD exomes 0.00001; TOPMed 0.00001.
gnomAD v4.1: 3 of 1,614,244 alleles (0.00019%); highest among the groups gnomAD compares: Admixed American, 0.005%; no homozygotes.

Submission:

Labcorp Genetics (formerly Invitae), Labcorp
Classification: Uncertain significance. Last evaluated: 2022-03-27. Review status: criteria provided, single submitter. Criteria: Invitae Variant Classification Sherloc (09022015). Collection method: clinical testing. Allele origin: germline.
Comment: In summary, the available evidence is currently insufficient to determine the role of this variant in disease. Therefore, it has been classified as a Variant of Uncertain Significance. Algorithms developed to predict the effect of missense changes on protein structure and function are either unavailable or do not agree on the potential impact of this missense change (SIFT: "Deleterious"; PolyPhen-2: "Benign"; Align-GVGD: "Class C0"). This variant has not been reported in the literature in individuals affected with ADCY10-related conditions. This variant is present in population databases (no rsID available, gnomAD 0.01%). This sequence change replaces glutamine, which is neutral and polar, with arginine, which is basic and polar, at codon 1477 of the ADCY10 protein (p.Gln1477Arg).

NM_018417.6(ADCY10):c.4430A>G (p.Gln1477Arg)

Gene: ADCY10 (adenylate cyclase 10; minus strand). Cytogenetic location: 1q24.2.
Variant type: single nucleotide variant.
Coding change: c.4430A>G on transcript NM_018417.6 (MANE Select); coding-DNA position 4430, A replaced by G.
Protein change: p.Gln1477Arg; replaces glutamine 1477 with arginine.
Molecular consequence: missense variant.
Genome position (GRCh38, 1-based): chr1:167,818,124, T>C on the plus strand (A>G on the coding strand, the complement: ADCY10 is on the minus strand). VCF-style: chr1-167818124-T-C. GRCh37 (hg19) VCF-style: chr1-167787362-T-C.
Other names: c.3971A>G, p.Gln1324Arg (NM_001167749.3); c.4154A>G, p.Gln1385Arg (NM_001297772.2); short protein forms Q1477R, Q1324R, Q1385R.
Identifiers: ClinVar variation 1919428 (VCV001919428.5), dbSNP rs1377866855, ClinGen allele CA343094836.
Genomic context (GRCh38, chr1:167,818,124, plus strand): 5'-GGCCTCACCTTGAGTAGCTCCTCCCCACTGGCTTGGGCATTCTCTGACTGTTCTTTGATT[T>C]GTTTTTGAAGGTGAAGAACTTGCCCCTCCATGTACCTAGATATTCCGTCATAGTAAGTAA-3'
Protein context (NP_060887.2, residues 1467-1487): MEGQVLHLQK[Gln1477Arg]IKEQSENAQA